The following is an entry in ClinVar:

NM_001145860.2(POP1):c.2071A>C (p.Lys691Gln)

Gene: POP1 (POP1 ribonuclease P/MRP subunit; plus strand). Cytogenetic location: 8q22.2.
Variant type: single nucleotide variant.
Coding change: c.2071A>C on transcript NM_001145860.2 (MANE Select); coding-DNA position 2071, A replaced by C.
Protein change: p.Lys691Gln; replaces lysine 691 with glutamine.
Molecular consequence: missense variant.
Genome position (GRCh38, 1-based): chr8:98,156,063, A>C. VCF-style: chr8-98156063-A-C. GRCh37 (hg19) VCF-style: chr8-99168291-A-C.
Other names: c.2071A>C, p.Lys691Gln (NM_001145861.2, NM_015029.3); short protein forms K691Q.
Identifiers: ClinVar variation 4712664 (VCV004712664.1).

ClinVar aggregate classification (germline): Uncertain significance (1 of 4 stars; one submission).

Submission:

Labcorp Genetics (formerly Invitae), Labcorp
Classification: Uncertain significance. Last evaluated: 2025-02-16. Review status: criteria provided, single submitter. Criteria: Invitae Variant Classification Sherloc (09022015). Collection method: clinical testing. Allele origin: germline.
Comment: This sequence change replaces lysine, which is basic and polar, with glutamine, which is neutral and polar, at codon 691 of the POP1 protein (p.Lys691Gln). This variant is not present in population databases (gnomAD no frequency). This variant has not been reported in the literature in individuals affected with POP1-related conditions. An algorithm developed to predict the effect of missense changes on protein structure and function (PolyPhen-2) suggests that this variant is likely to be disruptive. In summary, the available evidence is currently insufficient to determine the role of this variant in disease. Therefore, it has been classified as a Variant of Uncertain Significance.